The following is an entry in ClinVar:

ClinVar aggregate classification (germline): Uncertain significance (1 of 4 stars; one submission).

Conditions:
Hereditary cancer-predisposing syndrome. Also called: Neoplastic Syndromes, Hereditary; Tumor predisposition; Hereditary neoplastic syndrome; Hereditary Cancer Syndrome. Identifiers: Orphanet 140162, MedGen C0027672, MeSH D009386, MONDO:0015356.

Allele frequency attached by ClinVar (database versions not stated): gnomAD exomes below 0.00001.

Submission:

Ambry Genetics
Classification: Uncertain significance for Hereditary cancer-predisposing syndrome. Last evaluated: 2023-11-22. Review status: criteria provided, single submitter. Criteria: Ambry Variant Classification Scheme 2023. Collection method: clinical testing. Allele origin: germline.
Comment: The c.-3A>T variant is located in the 5' untranslated region (5&rsquo; UTR) of the TSC2 gene. This variant results from an A to T substitution 3 bases upstream from the first translated codon. This nucleotide position is well conserved in available vertebrate species. Since supporting evidence is limited at this time, the clinical significance of this alteration remains unclear.

NM_000548.5(TSC2):c.-3A>T

Gene: TSC2 (TSC complex subunit 2; plus strand). Cytogenetic location: 16p13.3.
Variant type: single nucleotide variant.
Coding change: c.-3A>T on transcript NM_000548.5 (MANE Select); 3 bases upstream of the start codon, A replaced by T.
Molecular consequence: 5 prime UTR variant. On other transcripts: missense variant (1), non-coding transcript variant (5), intron variant (6).
Genome position (GRCh38, 1-based): chr16:2,048,613, A>T. VCF-style: chr16-2048613-A-T. GRCh37 (hg19) VCF-style: chr16-2098614-A-T.
Other names: c.-3A>T (NM_001077183.3, NM_001114382.3, NM_001318827.2 and 13 more transcripts); c.-229A>T (NM_001318831.2, NM_001406682.1, NM_001406684.1 and 2 more transcripts); c.31A>T, p.Thr11Ser (NM_001318832.2); c.-819A>T (NM_001406680.1, NM_001406683.1, NM_001406687.1); c.-448A>T (NM_001406681.1); c.-1434A>T (NM_001406689.1, NM_001406690.1, NM_001406691.1 and 2 more transcripts); c.-1740A>T (NM_001406693.1); c.-1315A>T (NM_001406694.1, NM_001406695.1); and 4 more; short protein forms T11S.
Identifiers: ClinVar variation 3232158 (VCV003232158.1), dbSNP rs2150969451, ClinGen allele CA394300377.
Genomic context (GRCh38, chr16:2,048,613, plus strand): 5'-CTCAGATGTCCCCATTCCTGTTTCGTTTGCACAGAGGGGTTTTCTGGTGCGTCCTGGTCC[A>T]CCATGGCCAAACCAACAAGCAAAGATTCAGGCTTGAAGGAGAAGTTTAAGATTCTGTTGG-3'